The following is an entry in ClinVar:

NM_001080458.2(EVX2):c.1410C>G (p.Asp470Glu)

Gene: EVX2 (even-skipped homeobox 2; minus strand). Cytogenetic location: 2q31.1.
Variant type: single nucleotide variant.
Coding change: c.1410C>G on transcript NM_001080458.2 (MANE Select); coding-DNA position 1410, C replaced by G.
Protein change: p.Asp470Glu; replaces aspartic acid 470 with glutamic acid.
Molecular consequence: missense variant.
Genome position (GRCh38, 1-based): chr2:176,080,128, G>C on the plus strand (C>G on the coding strand, the complement: EVX2 is on the minus strand). VCF-style: chr2-176080128-G-C. GRCh37 (hg19) VCF-style: chr2-176944856-G-C.
Other names: short protein forms D470E.
Identifiers: ClinVar variation 3034305 (VCV003034305.2), dbSNP rs201835366, ClinGen allele CA1976204.

ClinVar aggregate classification (germline): Likely benign (0 of 4 stars; one submission).

Conditions:
EVX2-related disorder. Also called: EVX2-related condition.

Allele frequency attached by ClinVar (database versions not stated): 1000 Genomes Project 0.00100; 1000 Genomes Project 30x 0.00141; ESP Exome Variant Server 0.00268; gnomAD 0.00281; TOPMed 0.00288; ExAC 0.00432.

Submission:

PreventionGenetics, part of Exact Sciences
Classification: Likely benign for EVX2-related condition. Last evaluated: 2022-02-15. Review status: no assertion criteria provided. Collection method: clinical testing. Allele origin: germline.
Comment: This variant is classified as likely benign based on ACMG/AMP sequence variant interpretation guidelines (Richards et al. 2015 PMID: 25741868, with internal and published modifications).